The following is an entry in ClinVar:

NM_052874.5(STX1B):c.*4C>A

Gene: STX1B (syntaxin 1B; minus strand). Cytogenetic location: 16p11.2.
Variant type: single nucleotide variant.
Coding change: c.*4C>A on transcript NM_052874.5 (MANE Select); 4 bases downstream of the stop codon, C replaced by A.
Molecular consequence: 3 prime UTR variant.
Genome position (GRCh38, 1-based): chr16:30,992,817, G>T on the plus strand (C>A on the coding strand, the complement: STX1B is on the minus strand). VCF-style: chr16-30992817-G-T. GRCh37 (hg19) VCF-style: chr16-31004138-G-T.
Identifiers: ClinVar variation 1033021 (VCV001033021.1), dbSNP rs749087140, ClinGen allele CA621867097.

ClinVar aggregate classification (germline): Uncertain significance (1 of 4 stars; one submission).

Conditions:
Generalized epilepsy with febrile seizures plus, type 9 (GEFSP9). Also called: GEFS+, TYPE 9. Identifiers: Orphanet 36387, MedGen C4015395, MONDO:0014517, OMIM 616172.

Allele frequency attached by ClinVar (database versions not stated): gnomAD 0.00001; TOPMed 0.00002.

Submission:

Baylor Genetics
Classification: Uncertain significance for Generalized epilepsy with febrile seizures plus, type 9. Last evaluated: 2018-04-11. Review status: criteria provided, single submitter. Criteria: ACMG Guidelines, 2015. Collection method: clinical testing. Allele origin: paternal. Affected: yes.
Comment: This variant was determined to be of uncertain significance according to ACMG Guidelines, 2015 [PMID:25741868].